The following is an entry in ClinVar:

ClinVar aggregate classification (germline): Likely benign (1 of 4 stars; one submission).

Conditions:
ARL6-related disorder. Also called: ARL6-related condition.

Submission:

PreventionGenetics, part of Exact Sciences
Classification: Likely benign for ARL6-related condition. Last evaluated: 2025-09-15. Review status: criteria provided, single submitter. Criteria: ACMG Guidelines, 2015. Collection method: clinical testing. Allele origin: germline.
Comment: This variant is classified as likely benign based on ACMG/AMP sequence variant interpretation guidelines (Richards et al. 2015 PMID: 25741868, with internal and published modifications).

NM_001278293.3(ARL6):c.201G>A (p.Val67=)

Gene: ARL6 (ARF like GTPase 6; plus strand). Cytogenetic location: 3q11.2.
Variant type: single nucleotide variant.
Coding change: c.201G>A on transcript NM_001278293.3 (MANE Select); coding-DNA position 201, G replaced by A.
Protein change: p.Val67=; no amino-acid change (valine 67 retained).
Molecular consequence: synonymous variant. On other transcripts: non-coding transcript variant (7).
Genome position (GRCh38, 1-based): chr3:97,780,630, G>A. VCF-style: chr3-97780630-G-A. GRCh37 (hg19) VCF-style: chr3-97499474-G-A.
Other names: c.201G>A, p.Val67= (NM_001323513.2, NM_001323514.2, NM_032146.5 and 1 more transcripts).
Identifiers: ClinVar variation 4992581 (VCV004992581.1).